The following is an entry in ClinVar:

ClinVar aggregate classification (germline): Uncertain significance (1 of 4 stars; one submission).

Conditions:
Dilated cardiomyopathy 1O (CMD1O). Also called: CARDIOMYOPATHY, DILATED, WITH VENTRICULAR TACHYCARDIA. Identifiers: Orphanet 154, MedGen C1837839, MONDO:0012062, OMIM 608569.

Submission:

Labcorp Genetics (formerly Invitae), Labcorp
Classification: Uncertain significance for Dilated cardiomyopathy 1O. Last evaluated: 2025-06-22. Review status: criteria provided, single submitter. Criteria: Invitae Variant Classification Sherloc (09022015). Collection method: clinical testing. Allele origin: germline.
Comment: This variant, c.2931_2932delinsAA, is a complex sequence change that results in the deletion of 2 and insertion of 1 amino acid(s) in the ABCC9 protein (p.Met977_Pro978delinsIleThr). Information on the frequency of this variant in the gnomAD database is not available, as this variant may be reported differently in the database. This variant has not been reported in the literature in individuals affected with ABCC9-related conditions. Experimental studies and prediction algorithms are not available or were not evaluated, and the functional significance of this variant is currently unknown. In summary, the available evidence is currently insufficient to determine the role of this variant in disease. Therefore, it has been classified as a Variant of Uncertain Significance.

NM_020297.4(ABCC9):c.2931_2932delinsAA (p.Met977_Pro978delinsIleThr)

Gene: ABCC9 (ATP binding cassette subfamily C member 9; minus strand). Cytogenetic location: 12p12.1.
Variant type: Indel.
Coding change: c.2931_2932delinsAA on transcript NM_020297.4 (MANE Select); coding-DNA positions 2931 to 2932, GC replaced by AA.
Protein change: p.Met977_Pro978delinsIleThr.
Molecular consequence: missense variant.
Genome position (GRCh38, 1-based): chr12:21,845,767-21,845,768, GC replaced by TT on the plus strand (GC replaced by AA on the coding strand, the reverse complement: ABCC9 is on the minus strand). VCF-style: chr12-21845767-GC-TT. GRCh37 (hg19) VCF-style: chr12-21998701-GC-TT.
Other names: c.2931_2932delinsAA, p.Met977_Pro978delinsIleThr (NM_001377273.1, NM_005691.4); c.2064_2065delinsAA, p.Met688_Pro689delinsIleThr (NM_001377274.1).
Identifiers: ClinVar variation 4721871 (VCV004721871.1).
Genomic context (GRCh38, chr12:21,845,767, plus strand): 5'-TCATCAGGATGAGCAGGAAGAATCCTCCAGATGTCAGGTAGCGCCAGCAGGTTTTCCATG[GC>TT]ATTTTAGTCCTGAGCCTCATTACAGTGGACATGTTATCATCCTCATCTTCCTCCTCTTCT-3'